The following is an entry in ClinVar:

ClinVar aggregate classification (germline): Pathogenic (1 of 4 stars; one submission).

Submission:

Labcorp Genetics (formerly Invitae), Labcorp
Classification: Pathogenic. Last evaluated: 2023-04-25. Review status: criteria provided, single submitter. Criteria: Invitae Variant Classification Sherloc (09022015). Collection method: clinical testing. Allele origin: germline.
Comment: For these reasons, this variant has been classified as Pathogenic. Algorithms developed to predict the effect of sequence changes on RNA splicing suggest that this variant may create or strengthen a splice site. This variant has not been reported in the literature in individuals affected with ATP8B1-related conditions. This variant is not present in population databases (gnomAD no frequency). This sequence change creates a premature translational stop signal (p.Tyr361*) in the ATP8B1 gene. It is expected to result in an absent or disrupted protein product. Loss-of-function variants in ATP8B1 are known to be pathogenic (PMID: 15239083, 22525741).

Literature cited by the submitters: PubMed 15239083; PubMed 22525741.

NM_001374385.1(ATP8B1):c.1083T>G (p.Tyr361Ter)

Gene: ATP8B1 (ATPase phospholipid transporting 8B1; minus strand). Cytogenetic location: 18q21.31.
Variant type: single nucleotide variant.
Coding change: c.1083T>G on transcript NM_001374385.1 (MANE Select); coding-DNA position 1083, T replaced by G.
Protein change: p.Tyr361Ter; replaces tyrosine 361 with a stop codon.
Molecular consequence: nonsense.
Genome position (GRCh38, 1-based): chr18:57,691,944, A>C on the plus strand (T>G on the coding strand, the complement: ATP8B1 is on the minus strand). VCF-style: chr18-57691944-A-C. GRCh37 (hg19) VCF-style: chr18-55359176-A-C.
Other names: c.933T>G, p.Tyr311Ter (NM_001374386.1); c.1083T>G, p.Tyr361Ter (NM_005603.6); short protein forms Y311*, Y361*.
Identifiers: ClinVar variation 2859141 (VCV002859141.3), dbSNP rs746059848, ClinGen allele CA402540275.